The following is an entry in ClinVar:

ClinVar aggregate classification (germline): Likely benign (1 of 4 stars; one submission).

Conditions:
SHROOM2-related disorder. Also called: SHROOM2-related condition.

gnomAD v4.1: 315 of 1,209,855 alleles (0.026%); highest among the groups gnomAD compares: African/African-American, 0.43%; 3 homozygotes.

Submission:

PreventionGenetics, part of Exact Sciences
Classification: Likely benign for SHROOM2-related condition. Last evaluated: 2026-08-23. Review status: criteria provided, single submitter. Criteria: ACMG Guidelines, 2015. Collection method: clinical testing. Allele origin: germline.
Comment: This variant is classified as likely benign based on ACMG/AMP sequence variant interpretation guidelines (Richards et al. 2015 PMID: 25741868, with internal and published modifications).

NM_001649.4(SHROOM2):c.3258C>T (p.Pro1086=)

Gene: SHROOM2 (shroom family member 2; plus strand). Cytogenetic location: Xp22.2.
Variant type: single nucleotide variant.
Coding change: c.3258C>T on transcript NM_001649.4 (MANE Select); coding-DNA position 3258, C replaced by T.
Protein change: p.Pro1086=; no amino-acid change (proline 1086 retained).
Molecular consequence: synonymous variant. On other transcripts: 5 prime UTR variant (2).
Genome position (GRCh38, 1-based): chrX:9,932,541, C>T. VCF-style: chrX-9932541-C-T. GRCh37 (hg19) VCF-style: chrX-9900581-C-T.
Other names: c.-238C>T (NM_001320663.2, NM_001320664.2).
Identifiers: ClinVar variation 4985043 (VCV004985043.1).
Genomic context (GRCh38, chrX:9,932,541, plus strand): 5'-GCCACCCAAGCGCGAGCCCAGGAGATACAGGGCCACAGACGGCGCACCTGCTGACGCCCC[C>T]GTGGGCGTCCTCGGCAGGCCCTTCCCAACGCCATCCCCTGCGTCCCTGGATGTGTATGTG-3'
Protein context (NP_001640.1, residues 1076-1096): RATDGAPADA[Pro1086=]VGVLGRPFPT